The following is an entry in ClinVar:

NM_138369.3(BOD1):c.453A>G (p.Arg151=)

Gene: BOD1 (biorientation of chromosomes in cell division 1; minus strand). Cytogenetic location: 5q35.2.
Variant type: single nucleotide variant.
Coding change: c.453A>G on transcript NM_138369.3 (MANE Select); coding-DNA position 453, A replaced by G.
Protein change: p.Arg151=; no amino-acid change (arginine 151 retained).
Molecular consequence: synonymous variant. On other transcripts: non-coding transcript variant (4), intron variant (1).
Genome position (GRCh38, 1-based): chr5:173,609,344, T>C on the plus strand (A>G on the coding strand, the complement: BOD1 is on the minus strand). VCF-style: chr5-173609344-T-C. GRCh37 (hg19) VCF-style: chr5-173036347-T-C.
Other names: c.363-1052A>G (NM_001159651.3).
Identifiers: ClinVar variation 3043227 (VCV003043227.2), dbSNP rs150859874, ClinGen allele CA3564215.
Genomic context (GRCh38, chr5:173,609,344, plus strand): 5'-CTCTGGAGGGGGTGCTGGCACAGCTGCTTTTTTCTGGGCCGCCAGGAACTCATGAATTGC[T>C]CGTTCTATTTGTGGCCTGAAGATGTGGTTAAGTTTTGGATCCACCACCTGAGAAATAATC-3'
Protein context (NP_612378.1, residues 141-161): LNHIFRPQIE[Arg151=]AIHEFLAAQK

ClinVar aggregate classification (germline): Likely benign (0 of 4 stars; one submission).

Conditions:
BOD1-related disorder. Also called: BOD1-related condition.

Allele frequency attached by ClinVar (database versions not stated): gnomAD 0.00102; ExAC 0.00110; ESP Exome Variant Server 0.00161.

Submission:

PreventionGenetics, part of Exact Sciences
Classification: Likely benign for BOD1-related condition. Last evaluated: 2019-06-21. Review status: no assertion criteria provided. Collection method: clinical testing. Allele origin: germline.
Comment: This variant is classified as likely benign based on ACMG/AMP sequence variant interpretation guidelines (Richards et al. 2015 PMID: 25741868, with internal and published modifications).